The following is an entry in ClinVar:

ClinVar aggregate classification (germline): Uncertain significance (1 of 4 stars; one submission).

Conditions:
Familial adenomatous polyposis 1 (FAP1). Also called: FAMILIAL ADENOMATOUS POLYPOSIS 1, ATTENUATED; POLYPOSIS, ADENOMATOUS INTESTINAL. Identifiers: MedGen C2713442, MONDO:0021056, OMIM 175100. Disease mechanism: loss of function.

Submission:

Labcorp Genetics (formerly Invitae), Labcorp
Classification: Uncertain significance for Familial adenomatous polyposis 1. Last evaluated: 2025-07-18. Review status: criteria provided, single submitter. Criteria: Invitae Variant Classification Sherloc (09022015). Collection method: clinical testing. Allele origin: germline.
Comment: This sequence change replaces proline, which is neutral and non-polar, with alanine, which is neutral and non-polar, at codon 1052 of the APC protein (p.Pro1052Ala). This variant is not present in population databases (gnomAD no frequency). This variant has not been reported in the literature in individuals affected with APC-related conditions. ClinVar contains an entry for this variant (Variation ID: 411337). Invitae Evidence Modeling of protein sequence and biophysical properties (such as structural, functional, and spatial information, amino acid conservation, physicochemical variation, residue mobility, and thermodynamic stability) indicates that this missense variant is not expected to disrupt APC protein function with a negative predictive value of 95%. In summary, the available evidence is currently insufficient to determine the role of this variant in disease. Therefore, it has been classified as a Variant of Uncertain Significance.

NM_000038.6(APC):c.3154C>G (p.Pro1052Ala)

Gene: APC (APC regulator of Wnt signaling pathway; plus strand). Cytogenetic location: 5q22.2.
Variant type: single nucleotide variant.
Coding change: c.3154C>G on transcript NM_000038.6 (MANE Select); coding-DNA position 3154, C replaced by G.
Protein change: p.Pro1052Ala; replaces proline 1052 with alanine.
Molecular consequence: missense variant.
Genome position (GRCh38, 1-based): chr5:112,838,748, C>G. VCF-style: chr5-112838748-C-G. GRCh37 (hg19) VCF-style: chr5-112174445-C-G.
Other names: c.3154C>G, p.Pro1052Ala (NM_001127510.3, NM_001354895.2); c.3100C>G, p.Pro1034Ala (NM_001127511.3); c.3208C>G, p.Pro1070Ala (NM_001354896.2); c.3184C>G, p.Pro1062Ala (NM_001354897.2); c.3079C>G, p.Pro1027Ala (NM_001354898.2); c.3070C>G, p.Pro1024Ala (NM_001354899.2); c.3031C>G, p.Pro1011Ala (NM_001354900.2); c.2977C>G, p.Pro993Ala (NM_001354901.2); and 5 more; short protein forms P1052A, P1034A, P1024A, P769A, P926A, P993A, P1011A, P892A.
Identifiers: ClinVar variation 411337 (VCV000411337.10), dbSNP rs1060503258, ClinGen allele CA16028244.